The following is an entry in ClinVar:

ClinVar aggregate classification (germline): Uncertain significance (1 of 4 stars; one submission).

Conditions:
Neurofibromatosis, type 1 (NF1). Also called: Neurofibromatosis, type I; Peripheral type neurofibromatosis; VON RECKLINGHAUSEN DISEASE; NEUROFIBROMATOSIS, TYPE I, SOMATIC. Identifiers: Orphanet 636, MedGen C0027831, MONDO:0018975, OMIM 162200. Disease mechanism: loss of function.

Submission:

Labcorp Genetics (formerly Invitae), Labcorp
Classification: Uncertain significance for Neurofibromatosis, type 1. Last evaluated: 2022-06-29. Review status: criteria provided, single submitter. Criteria: Invitae Variant Classification Sherloc (09022015). Collection method: clinical testing. Allele origin: germline.
Comment: Advanced modeling of protein sequence and biophysical properties (such as structural, functional, and spatial information, amino acid conservation, physicochemical variation, residue mobility, and thermodynamic stability) performed at Invitae indicates that this missense variant is expected to disrupt NF1 protein function. This variant has not been reported in the literature in individuals affected with NF1-related conditions. This variant is not present in population databases (gnomAD no frequency). This sequence change replaces leucine, which is neutral and non-polar, with histidine, which is basic and polar, at codon 529 of the NF1 protein (p.Leu529His). In summary, the available evidence is currently insufficient to determine the role of this variant in disease. Therefore, it has been classified as a Variant of Uncertain Significance.

NM_001042492.3(NF1):c.1586T>A (p.Leu529His)

Gene: NF1 (neurofibromin 1; plus strand). Cytogenetic location: 17q11.2.
Variant type: single nucleotide variant.
Coding change: c.1586T>A on transcript NM_001042492.3 (MANE Select); coding-DNA position 1586, T replaced by A.
Protein change: p.Leu529His; replaces leucine 529 with histidine.
Molecular consequence: missense variant.
Genome position (GRCh38, 1-based): chr17:31,219,063, T>A. VCF-style: chr17-31219063-T-A. GRCh37 (hg19) VCF-style: chr17-29546081-T-A.
Other names: c.1586T>A, p.Leu529His (NM_000267.4, NM_001128147.3); short protein forms L529H.
Identifiers: ClinVar variation 2012038 (VCV002012038.4), dbSNP rs2143986529, ClinGen allele CA399001939.